The following is an entry in ClinVar:

NM_001083116.3(PRF1):c.*139C>T

Gene: PRF1 (perforin 1; minus strand). Cytogenetic location: 10q22.1.
Variant type: single nucleotide variant.
Coding change: c.*139C>T on transcript NM_001083116.3 (MANE Select); 139 bases downstream of the stop codon, C replaced by T.
Molecular consequence: 3 prime UTR variant.
Genome position (GRCh38, 1-based): chr10:70,597,914, G>A on the plus strand (C>T on the coding strand, the complement: PRF1 is on the minus strand). VCF-style: chr10-70597914-G-A. GRCh37 (hg19) VCF-style: chr10-72357670-G-A.
Other names: c.*139C>T (NM_005041.6).
Identifiers: ClinVar variation 879865 (VCV000879865.5), dbSNP rs56743633, ClinGen allele CA209365953.

ClinVar aggregate classification (germline): Benign. Review status: criteria provided, multiple submitters, no conflicts (2 of 4 stars). 2 submissions from 2 submitters: Benign (2). Last evaluated 2017-04-27.

Conditions:
Familial hemophagocytic lymphohistiocytosis 2 (FHL2). Also called: PRF1-Related Familial Hemophagocytic Lymphohistiocytosis (PRF1-fHLH). Identifiers: Orphanet 540, MedGen C1863727, MONDO:0011337, OMIM 603553.

Allele frequency attached by ClinVar (database versions not stated): 1000 Genomes Project 0.01498; 1000 Genomes Project 30x 0.01593.

Submissions (2):

Illumina Laboratory Services, Illumina
Classification: Benign for Familial hemophagocytic lymphohistiocytosis 2. Last evaluated: 2017-04-27. Review status: criteria provided, single submitter. Criteria: ICSL Variant Classification Criteria 13 December 2019. Collection method: clinical testing. Allele origin: germline.
Comment: This variant was observed as part of a predisposition screen in an ostensibly healthy population. A literature search was performed for the gene, cDNA change, and amino acid change (where applicable). Publications were found based on this search. The evidence from the literature, in combination with allele frequency data from public databases where available, was sufficient to rule this variant out of causing disease. Therefore, this variant is classified as benign.

Breakthrough Genomics
Classification: Benign. Review status: criteria provided, single submitter. Criteria: ACMG Guidelines, 2015. Collection method: not provided. Allele origin: germline. Inheritance: Autosomal recessive inheritance. Affected: yes.

Literature cited by the submitters: PubMed 21157294 (cited by Illumina Laboratory Services, Illumina).